The following is an entry in ClinVar:

NM_001005242.3(PKP2):c.1256T>C (p.Leu419Ser)

Gene: PKP2 (plakophilin 2; minus strand). Cytogenetic location: 12p11.21.
Variant type: single nucleotide variant.
Coding change: c.1256T>C on transcript NM_001005242.3 (MANE Select); coding-DNA position 1256, T replaced by C.
Protein change: p.Leu419Ser; replaces leucine 419 with serine.
Molecular consequence: missense variant.
Genome position (GRCh38, 1-based): chr12:32,850,888, A>G on the plus strand (T>C on the coding strand, the complement: PKP2 is on the minus strand). VCF-style: chr12-32850888-A-G. GRCh37 (hg19) VCF-style: chr12-33003822-A-G.
Other names: c.1256T>C, p.Leu419Ser (NM_004572.4); short protein forms L419S.
Identifiers: ClinVar variation 843603 (VCV000843603.9), dbSNP rs1265030036, ClinGen allele CA384370451.

ClinVar aggregate classification (germline): Uncertain significance (1 of 4 stars; one submission).

Conditions:
Arrhythmogenic right ventricular dysplasia 9 (ARVD9). Also called: Arrhythmogenic Right Ventricular Dysplasia/Cardiomyopathy 9; ARRHYTHMOGENIC RIGHT VENTRICULAR DYSPLASIA, FAMILIAL, 9. Identifiers: MedGen C1836906, MONDO:0012180, OMIM 609040.

Submission:

Labcorp Genetics (formerly Invitae), Labcorp
Classification: Uncertain significance for Arrhythmogenic right ventricular dysplasia 9. Last evaluated: 2021-04-09. Review status: criteria provided, single submitter. Criteria: Invitae Variant Classification Sherloc (09022015). Collection method: clinical testing. Allele origin: germline.
Comment: This sequence change replaces leucine with serine at codon 419 of the PKP2 protein (p.Leu419Ser). The leucine residue is highly conserved and there is a large physicochemical difference between leucine and serine. In summary, the available evidence is currently insufficient to determine the role of this variant in disease. Therefore, it has been classified as a Variant of Uncertain Significance. This variant is not present in population databases (ExAC no frequency). This variant has been observed in individual(s) with arrythmogenic right ventricular cardiomyopathy (PMID: 19427443). Algorithms developed to predict the effect of missense changes on protein structure and function (SIFT, PolyPhen-2, Align-GVGD) all suggest that this variant is likely to be disruptive, but these predictions have not been confirmed by published functional studies and their clinical significance is uncertain.

Literature cited by the submitters: PubMed 19427443.